The following is an entry in ClinVar:

ClinVar aggregate classification (germline): Uncertain significance. Review status: criteria provided, multiple submitters, no conflicts (2 of 4 stars). 2 submissions from 2 submitters: Uncertain significance (2). Last evaluated 2025-04-10.

Conditions:
Charcot-Marie-Tooth disease axonal type 2O. Also called: CHARCOT-MARIE-TOOTH NEUROPATHY, AXONAL, TYPE 2O; CHARCOT-MARIE-TOOTH DISEASE, AXONAL, AUTOSOMAL DOMINANT, TYPE 2O; Charcot-Marie-Tooth Neuropathy Type 2O; Charcot-Marie-Tooth disease, axonal, type 20. Identifiers: Orphanet 284232, MedGen C3280220, MONDO:0013644, OMIM 614228.

Submissions (2):

Labcorp Genetics (formerly Invitae), Labcorp
Classification: Uncertain significance for Charcot-Marie-Tooth disease axonal type 2O. Last evaluated: 2025-04-10. Review status: criteria provided, single submitter. Criteria: Invitae Variant Classification Sherloc (09022015). Collection method: clinical testing. Allele origin: germline.
Comment: This sequence change falls in intron 62 of the DYNC1H1 gene. It does not directly change the encoded amino acid sequence of the DYNC1H1 protein. It affects a nucleotide within the consensus splice site. This variant is not present in population databases (gnomAD no frequency). This variant has not been reported in the literature in individuals affected with DYNC1H1-related conditions. ClinVar contains an entry for this variant (Variation ID: 1369739). Variants that disrupt the consensus splice site are a relatively common cause of aberrant splicing (PMID: 17576681, 9536098). Algorithms developed to predict the effect of sequence changes on RNA splicing suggest that this variant may disrupt the consensus splice site. In summary, the available evidence is currently insufficient to determine the role of this variant in disease. Therefore, it has been classified as a Variant of Uncertain Significance.

Blueprint Genetics
Classification: Uncertain significance. Last evaluated: 2020-10-21. Review status: criteria provided, single submitter. Criteria: ACMG Guidelines, 2015. Collection method: clinical testing. Allele origin: germline.

Literature cited by the submitters: PubMed 17576681 (cited by Labcorp Genetics (formerly Invitae), Labcorp); PubMed 9536098 (cited by Labcorp Genetics (formerly Invitae), Labcorp).

NM_001376.5(DYNC1H1):c.11690+3A>T

Gene: DYNC1H1 (dynein cytoplasmic 1 heavy chain 1; plus strand). Cytogenetic location: 14q32.31.
Variant type: single nucleotide variant.
Coding change: c.11690+3A>T on transcript NM_001376.5 (MANE Select); 3 bases into the intron after coding-DNA position 11690, A replaced by T.
Molecular consequence: intron variant.
Genome position (GRCh38, 1-based): chr14:102,039,735, A>T. VCF-style: chr14-102039735-A-T. GRCh37 (hg19) VCF-style: chr14-102506072-A-T.
Identifiers: ClinVar variation 1369739 (VCV001369739.7), dbSNP rs1482293429, ClinGen allele CA2573150390.
Genomic context (GRCh38, chr14:102,039,735, plus strand): 5'-AGGACCACATTACCTTTGCCATGCTGCTGGCAAGAATCAAACTGAAGGGCACCGTGGGGT[A>T]AGAGCACTCACGCCCACAGGAGGATGCCATATTGCTGGTGGCCCCCAAGGGTTTCATGAT-3'